The following is an entry in ClinVar:

NM_001378024.1(ARHGAP32):c.5952A>G (p.Glu1984=)

Gene: ARHGAP32 (Rho GTPase activating protein 32; minus strand). Cytogenetic location: 11q24.3.
Variant type: single nucleotide variant.
Coding change: c.5952A>G on transcript NM_001378024.1 (MANE Select); coding-DNA position 5952, A replaced by G.
Protein change: p.Glu1984=; no amino-acid change (glutamic acid 1984 retained).
Molecular consequence: synonymous variant.
Genome position (GRCh38, 1-based): chr11:128,969,261, T>C on the plus strand (A>G on the coding strand, the complement: ARHGAP32 is on the minus strand). VCF-style: chr11-128969261-T-C. GRCh37 (hg19) VCF-style: chr11-128839156-T-C.
Other names: c.5910A>G, p.Glu1970= (NM_001142685.2); c.5790A>G, p.Glu1930= (NM_001378025.1); c.4863A>G, p.Glu1621= (NM_014715.4).
Identifiers: ClinVar variation 3055563 (VCV003055563.2), dbSNP rs3740829, ClinGen allele CA6358288.

ClinVar aggregate classification (germline): Benign (0 of 4 stars; one submission).

Conditions:
ARHGAP32-related disorder. Also called: ARHGAP32-related condition.

Allele frequency attached by ClinVar (database versions not stated): ExAC 0.07079; gnomAD exomes 0.07387; 1000 Genomes Project 0.07548; 1000 Genomes Project 30x 0.07745; TOPMed 0.07788; ESP Exome Variant Server 0.07856; gnomAD 0.08106.
gnomAD v4.1: 120,600 of 1,614,106 alleles (7.5%); highest among the groups gnomAD compares: African/African-American, 9.2%; 4,837 homozygotes.

Submission:

PreventionGenetics, part of Exact Sciences
Classification: Benign for ARHGAP32-related condition. Last evaluated: 2020-01-17. Review status: no assertion criteria provided. Collection method: clinical testing. Allele origin: germline.
Comment: This variant is classified as benign based on ACMG/AMP sequence variant interpretation guidelines (Richards et al. 2015 PMID: 25741868, with internal and published modifications).